The following is an entry in ClinVar:

NM_001126108.2(SLC12A3):c.1096-42_1096-7del

Gene: SLC12A3 (solute carrier family 12 member 3; plus strand). Cytogenetic location: 16q13.
Variant type: Deletion.
Coding change: c.1096-42_1096-7del on transcript NM_001126108.2 (MANE Select); 42 bases into the intron before coding-DNA position 1096 through 7 bases into the intron before coding-DNA position 1096, 36 bases deleted.
Molecular consequence: intron variant.
Genome position (GRCh38, 1-based): chr16:56,878,035-56,878,070, 36 bases deleted; deleting any 36 consecutive bases within chr16:56,878,024-56,878,070 gives the same sequence; the c. name uses the placement nearest the transcript's 3' end. GRCh37 (hg19): chr16:56,911,947-56,911,982.
Other names: c.1096-42_1096-7del (NM_000339.3); c.1093-42_1093-7del (NM_001126107.2, NM_001410896.1).
Identifiers: ClinVar variation 3033329 (VCV003033329.2), dbSNP rs2543499683, ClinGen allele CA2633375950.

ClinVar aggregate classification (germline): Likely benign (0 of 4 stars; one submission).

Conditions:
SLC12A3-related disorder. Also called: SLC12A3-related condition.

Submission:

PreventionGenetics, part of Exact Sciences
Classification: Likely benign for SLC12A3-related condition. Last evaluated: 2019-03-21. Review status: no assertion criteria provided. Collection method: clinical testing. Allele origin: germline.
Comment: This variant is classified as likely benign based on ACMG/AMP sequence variant interpretation guidelines (Richards et al. 2015 PMID: 25741868, with internal and published modifications).